The following is an entry in ClinVar:

NM_015404.4(WHRN):c.1627-5T>A

Gene: WHRN (whirlin; minus strand). Cytogenetic location: 9q32.
Variant type: single nucleotide variant.
Coding change: c.1627-5T>A on transcript NM_015404.4 (MANE Select); 5 bases into the intron before coding-DNA position 1627, T replaced by A.
Molecular consequence: intron variant.
Genome position (GRCh38, 1-based): chr9:114,408,023, A>T on the plus strand (T>A on the coding strand, the complement: WHRN is on the minus strand). VCF-style: chr9-114408023-A-T. GRCh37 (hg19) VCF-style: chr9-117170303-A-T.
Other names: c.1627-5T>A (NM_001173425.2); c.478-5T>A (NM_001083885.3); c.574-5T>A (NM_001346890.1).
Identifiers: ClinVar variation 163048 (VCV000163048.68), dbSNP rs187221008, ClinGen allele CA175638.

ClinVar aggregate classification (germline): Conflicting classifications of pathogenicity. Review status: criteria provided, conflicting classifications (1 of 4 stars). 10 submissions from 9 submitters: Uncertain significance (3); Benign (2); Likely benign (3). 2 of the submissions do not count toward it. Last evaluated 2026-09-01.

Conditions:
WHRN-related disorder. Also called: WHRN-related condition.
Retinal dystrophy. Also called: Inherited retinal dystrophy. Identifiers: Orphanet 71862, MedGen C0854723, MeSH D058499, MONDO:0019118, HP:0000556.
Autosomal recessive nonsyndromic hearing loss 31. Also called: WHIRLER, MOUSE, HOMOLOG OF. Identifiers: Orphanet 90636, MedGen C1846839, MONDO:0011767, OMIM 607084.
Usher syndrome type 2D. Also called: USHER SYNDROME, TYPE IID. Identifiers: Orphanet 231178, Orphanet 886, MedGen C1568249, MONDO:0012662, OMIM 611383.

Allele frequency attached by ClinVar (database versions not stated): 1000 Genomes Project 0.00040; 1000 Genomes Project 30x 0.00047; gnomAD 0.00154 and 0.00184; gnomAD exomes 0.00155 and 0.00228; TOPMed 0.00169; ESP Exome Variant Server 0.00208; ExAC 0.00256.
gnomAD v4.1: 3,504 of 1,595,730 alleles (0.22%); highest among the groups gnomAD compares: Non-Finnish European, 0.28%; 6 homozygotes.

Submissions (16):

CeGaT Center for Human Genetics Tuebingen
Classification: Likely benign. Last evaluated: 2026-09-01. Review status: criteria provided, single submitter. Criteria: CeGaT Center For Human Genetics Tuebingen Variant Classification Criteria Version 2. Collection method: clinical testing. Allele origin: germline. Affected: yes. Observed: 12 variant alleles.
Comment: WHRN: BP4

Labcorp Genetics (formerly Invitae), Labcorp
Classification: Benign. Last evaluated: 2026-01-28. Review status: criteria provided, single submitter. Criteria: Invitae Variant Classification Sherloc (09022015). Collection method: clinical testing. Allele origin: germline.

Blueprint Genetics
Classification: Likely benign. Last evaluated: 2024-10-17. Review status: criteria provided, single submitter. Criteria: ACMG Guidelines, 2015. Collection method: clinical testing. Allele origin: germline.

GeneDx
Classification: Likely benign. Last evaluated: 2020-07-31. Review status: criteria provided, single submitter. Criteria: GeneDx Variant Classification Process June 2021. Collection method: clinical testing. Allele origin: germline. Affected: yes.
Comment: This variant is associated with the following publications: (PMID: 27208204, 23591405)

Illumina Laboratory Services, Illumina
Classification: Uncertain significance for Autosomal recessive nonsyndromic hearing loss 31. Last evaluated: 2017-04-27. Review status: criteria provided, single submitter. Criteria: ICSL Variant Classification Criteria 13 December 2019. Collection method: clinical testing. Allele origin: germline.

Illumina Laboratory Services, Illumina
Classification: Uncertain significance for Usher syndrome type 2D. Last evaluated: 2017-04-27. Review status: criteria provided, single submitter. Criteria: ICSL Variant Classification Criteria 13 December 2019. Collection method: clinical testing. Allele origin: germline.

Eurofins Ntd Llc (ga)
Classification: Uncertain significance. Last evaluated: 2017-04-21. Review status: criteria provided, single submitter. Criteria: EGL Classification Definitions 2015. Collection method: clinical testing. Allele origin: germline. Observed: 3 variant alleles, 3 heterozygotes.

Laboratory for Molecular Medicine, Mass General Brigham Personalized Medicine
Classification: Benign. Last evaluated: 2013-12-26. Review status: criteria provided, single submitter. Criteria: LMM Criteria. Collection method: clinical testing. Allele origin: germline. Observed: 5 variant alleles.
Comment: 1627-5T>A in Intron 7 of DFNB31: This variant is not expected to have clinical s ignificance because it has been identified in 0.3% (26/8600) of European America ns by the NHLBI Exome Sequencing Project (dbS NP rs187221008), and computational tools do not suggest an impact to splicing.

PreventionGenetics, part of Exact Sciences
Classification: Likely benign for WHRN-related condition. Last evaluated: 2024-03-25. Review status: no assertion criteria provided. Collection method: clinical testing. Allele origin: germline. Not counted in ClinVar's aggregate classification.
Comment: This variant is classified as likely benign based on ACMG/AMP sequence variant interpretation guidelines (Richards et al. 2015 PMID: 25741868, with internal and published modifications).

Centre for Genomic Medicine, Manchester, Central Manchester University Hospitals
Classification: Uncertain significance for Retinal dystrophy. Review status: no assertion criteria provided. Collection method: clinical testing. Allele origin: germline. Affected: yes. Not counted in ClinVar's aggregate classification.

Dr. Peter K. Rogan Lab, Western University
No classification provided (evidence only). Condition: Clear cell carcinoma of kidney. Review status: no classification provided. Collection method: in vitro. Allele origin: not applicable. Functional consequence: retained intron. Not counted in ClinVar's aggregate classification.

Dr. Peter K. Rogan Lab, Western University
No classification provided (evidence only). Condition: Sarcoma. Review status: no classification provided. Collection method: in vitro. Allele origin: not applicable. Functional consequence: retained intron. Not counted in ClinVar's aggregate classification.

Dr. Peter K. Rogan Lab, Western University
No classification provided (evidence only). Condition: Nonpapillary renal cell carcinoma. Review status: no classification provided. Collection method: in vitro. Allele origin: not applicable. Functional consequence: retained intron. Not counted in ClinVar's aggregate classification.

Dr. Peter K. Rogan Lab, Western University
No classification provided (evidence only). Condition: Ovarian serous cystadenocarcinoma. Review status: no classification provided. Collection method: in vitro. Allele origin: not applicable. Functional consequence: retained intron. Not counted in ClinVar's aggregate classification.

Dr. Peter K. Rogan Lab, Western University
No classification provided (evidence only). Condition: Lymphoma. Review status: no classification provided. Collection method: in vitro. Allele origin: not applicable. Functional consequence: retained intron. Not counted in ClinVar's aggregate classification.

Dr. Peter K. Rogan Lab, Western University
No classification provided (evidence only). Condition: Ovarian cancer. Review status: no classification provided. Collection method: in vitro. Allele origin: not applicable. Functional consequence: retained intron. Not counted in ClinVar's aggregate classification.